The following is an entry in ClinVar:

NM_001060.6(TBXA2R):c.286_291del (p.His96_Ala97del)

Gene: TBXA2R (thromboxane A2 receptor; minus strand). Cytogenetic location: 19p13.3.
Variant type: Deletion.
Coding change: c.286_291del on transcript NM_001060.6 (MANE Select); coding-DNA positions 286 to 291, 6 bases deleted (CACGCC; older notation c.286_291delCACGCC).
Protein change: p.His96_Ala97del.
Genome position (GRCh38, 1-based): chr19:3,600,344-3,600,349, GGCGTG deleted on the plus strand (CACGCC on the coding strand, the reverse complement: TBXA2R is on the minus strand). VCF-style (leftmost placement, unchanged base first): chr19-3600343-CGGCGTG-C. GRCh37 (hg19) VCF-style: chr19-3600341-CGGCGTG-C.
Other names: c.286_291del, p.His96_Ala97del (NM_201636.3).
Identifiers: ClinVar variation 3723744 (VCV003723744.2).

ClinVar aggregate classification (germline): Uncertain significance (1 of 4 stars; one submission).

Submission:

Labcorp Genetics (formerly Invitae), Labcorp
Classification: Uncertain significance. Last evaluated: 2025-01-15. Review status: criteria provided, single submitter. Criteria: Invitae Variant Classification Sherloc (09022015). Collection method: clinical testing. Allele origin: germline.
Comment: This variant, c.286_291del, results in the deletion of 2 amino acid(s) of the TBXA2R protein (p.His96_Ala97del), but otherwise preserves the integrity of the reading frame. This variant is not present in population databases (gnomAD no frequency). This variant has not been reported in the literature in individuals affected with TBXA2R-related conditions. Experimental studies and prediction algorithms are not available or were not evaluated, and the functional significance of this variant is currently unknown. In summary, the available evidence is currently insufficient to determine the role of this variant in disease. Therefore, it has been classified as a Variant of Uncertain Significance.